The following is an entry in ClinVar:

ClinVar aggregate classification (germline): Uncertain significance (1 of 4 stars; one submission).

Conditions:
Ehlers-Danlos syndrome, type 4 (EDSVASC). Also called: Ehlers-Danlos Syndrome Type IV; Ehlers-Danlos syndrome vascular type; Ehlers Danlos syndrome, ecchymotic type; Ehlers Danlos syndrome, arterial type; Ehlers Danlos syndrome, Sack-Barabas type. Identifiers: Orphanet 286, MedGen C0268338, MONDO:0017314, OMIM 130050.

Submission:

All of Us Research Program, National Institutes of Health
Classification: Uncertain significance for Ehlers-Danlos syndrome, type 4. Last evaluated: 2023-11-30. Review status: criteria provided, single submitter. Criteria: ACMG Guidelines, 2015. Collection method: clinical testing. Allele origin: germline. Inheritance: Autosomal dominant inheritance. Observed: 1 variant allele, 1 heterozygote.
Comment: This study involves interpretation of variants in research participants for the purpose of population health screening. Participant phenotype was not available at the time of variant classification. Additional details can be found in publication PMID: 35346344, PMCID: PMC8962531

NM_000090.4(COL3A1):c.4076T>A (p.Leu1359His)

Gene: COL3A1 (collagen type III alpha 1 chain; plus strand). Cytogenetic location: 2q32.2.
Variant type: single nucleotide variant.
Coding change: c.4076T>A on transcript NM_000090.4 (MANE Select); coding-DNA position 4076, T replaced by A.
Protein change: p.Leu1359His; replaces leucine 1359 with histidine.
Molecular consequence: missense variant.
Genome position (GRCh38, 1-based): chr2:189,010,712, T>A. VCF-style: chr2-189010712-T-A. GRCh37 (hg19) VCF-style: chr2-189875438-T-A.
Other names: short protein forms L1359H.
Identifiers: ClinVar variation 3073968 (VCV003073968.1), dbSNP rs1300903719, ClinGen allele CA349849333.